The following is an entry in ClinVar:

ClinVar aggregate classification (germline): Uncertain significance (1 of 4 stars; one submission).

Submission:

Labcorp Genetics (formerly Invitae), Labcorp
Classification: Uncertain significance. Last evaluated: 2023-12-14. Review status: criteria provided, single submitter. Criteria: Invitae Variant Classification Sherloc (09022015). Collection method: clinical testing. Allele origin: germline.
Comment: This sequence change replaces histidine, which is basic and polar, with leucine, which is neutral and non-polar, at codon 188 of the SETBP1 protein (p.His188Leu). This variant is not present in population databases (gnomAD no frequency). This variant has not been reported in the literature in individuals affected with SETBP1-related conditions. Advanced modeling of protein sequence and biophysical properties (such as structural, functional, and spatial information, amino acid conservation, physicochemical variation, residue mobility, and thermodynamic stability) performed at Invitae indicates that this missense variant is not expected to disrupt SETBP1 protein function with a negative predictive value of 80%. In summary, the available evidence is currently insufficient to determine the role of this variant in disease. Therefore, it has been classified as a Variant of Uncertain Significance.

NM_015559.3(SETBP1):c.563A>T (p.His188Leu)

Gene: SETBP1 (SET binding protein 1; plus strand). Cytogenetic location: 18q12.3.
Variant type: single nucleotide variant.
Coding change: c.563A>T on transcript NM_015559.3 (MANE Select); coding-DNA position 563, A replaced by T.
Protein change: p.His188Leu; replaces histidine 188 with leucine.
Molecular consequence: missense variant.
Genome position (GRCh38, 1-based): chr18:44,949,903, A>T. VCF-style: chr18-44949903-A-T. GRCh37 (hg19) VCF-style: chr18-42529868-A-T.
Other names: c.563A>T, p.His188Leu (NM_001379141.1, NM_001379142.1, NM_001410862.1); short protein forms H188L.
Identifiers: ClinVar variation 2804161 (VCV002804161.3), dbSNP rs2511464014, ClinGen allele CA402316341.
Genomic context (GRCh38, chr18:44,949,903, plus strand): 5'-TCTCTGTCTCTCTCCCTCTCCACTCCACCCACCCTTAGGCTTACGAGAGGCCCCAGAAAC[A>T]TTCAACTCTCCATTATGACACGGGCCTCCCACAGGACTTCACCGGTGACACCTTAAAACC-3'
Protein context (NP_056374.2, residues 178-198): QPQAYERPQK[His188Leu]STLHYDTGLP